The following is an entry in ClinVar:

ClinVar aggregate classification (germline): Uncertain significance (1 of 4 stars; one submission).

Conditions:
Familial cancer of breast. Also called: hereditary breast carcinoma; BREAST CANCER, FAMILIAL; Hereditary breast cancer. Identifiers: Orphanet 227535, MedGen C0346153, MONDO:0016419, OMIM 114480. Disease mechanism: loss of function.

Submission:

Labcorp Genetics (formerly Invitae), Labcorp
Classification: Uncertain significance for Familial cancer of breast. Last evaluated: 2020-12-07. Review status: criteria provided, single submitter. Criteria: Invitae Variant Classification Sherloc (09022015). Collection method: clinical testing. Allele origin: germline.
Comment: In summary, the available evidence is currently insufficient to determine the role of this variant in disease. Therefore, it has been classified as a Variant of Uncertain Significance. Algorithms developed to predict the effect of missense changes on protein structure and function are either unavailable or do not agree on the potential impact of this missense change (SIFT: "Deleterious"; PolyPhen-2: "Benign"; Align-GVGD: "Class C0"). This variant has not been reported in the literature in individuals with CHEK2-related conditions. This variant is not present in population databases (ExAC no frequency). This sequence change replaces methionine with arginine at codon 491 of the CHEK2 protein (p.Met491Arg). The methionine residue is highly conserved and there is a moderate physicochemical difference between methionine and arginine.

NM_007194.4(CHEK2):c.1472T>G (p.Met491Arg)

Gene: CHEK2 (checkpoint kinase 2; minus strand). Cytogenetic location: 22q12.1.
Variant type: single nucleotide variant.
Coding change: c.1472T>G on transcript NM_007194.4 (MANE Select); coding-DNA position 1472, T replaced by G.
Protein change: p.Met491Arg; replaces methionine 491 with arginine.
Molecular consequence: missense variant.
Genome position (GRCh38, 1-based): chr22:28,689,205, A>C on the plus strand (T>G on the coding strand, the complement: CHEK2 is on the minus strand). VCF-style: chr22-28689205-A-C. GRCh37 (hg19) VCF-style: chr22-29085193-A-C.
Other names: c.1601T>G, p.Met534Arg (NM_001005735.3); c.809T>G, p.Met270Arg (NM_001257387.3); c.1271T>G, p.Met424Arg (NM_001349956.3); c.1385T>G, p.Met462Arg (NM_145862.3); short protein forms M424R, M491R, M270R, M534R, M462R.
Identifiers: ClinVar variation 1467627 (VCV001467627.9), dbSNP rs1601702472, ClinGen allele CA411092680.